The following is an entry in ClinVar:

NM_000038.6(APC):c.1491A>G (p.Leu497=)

Gene: APC (APC regulator of Wnt signaling pathway; plus strand). Cytogenetic location: 5q22.2.
Variant type: single nucleotide variant.
Coding change: c.1491A>G on transcript NM_000038.6 (MANE Select); coding-DNA position 1491, A replaced by G.
Protein change: p.Leu497=; no amino-acid change (leucine 497 retained).
Molecular consequence: synonymous variant.
Genome position (GRCh38, 1-based): chr5:112,827,190, A>G. VCF-style: chr5-112827190-A-G. GRCh37 (hg19) VCF-style: chr5-112162887-A-G.
Other names: c.1491A>G, p.Leu497= (NM_001127510.3, NM_001354895.2); c.1437A>G, p.Leu479= (NM_001127511.3); c.1545A>G, p.Leu515= (NM_001354896.2); c.1521A>G, p.Leu507= (NM_001354897.2); c.1416A>G, p.Leu472= (NM_001354898.2); c.1407A>G, p.Leu469= (NM_001354899.2); c.1368A>G, p.Leu456= (NM_001354900.2); c.1314A>G, p.Leu438= (NM_001354901.2); and 5 more.
Identifiers: ClinVar variation 416718 (VCV000416718.52), dbSNP rs201992951, ClinGen allele CA027963.
Genomic context (GRCh38, chr5:112,827,190, plus strand): 5'-ATTATTGCAAGTGGACTGTGAAATGTATGGGCTTACTAATGACCACTACAGTATTACACT[A>G]AGACGATATGCTGGAATGGCTTTGACAAACTTGACTTTTGGAGATGTAGCCAACAAGGTA-3'
Protein context (NP_000029.2, residues 487-507): GLTNDHYSIT[Leu497=]RRYAGMALTN

ClinVar aggregate classification (germline): Benign/Likely benign. Review status: criteria provided, multiple submitters, no conflicts (2 of 4 stars). 9 submissions from 9 submitters: Benign (1); Likely benign (8). Last evaluated 2025-11-02.

Conditions:
Classic or attenuated familial adenomatous polyposis. Identifiers: MedGen CN372698, MONDO:0021057.
Hereditary cancer-predisposing syndrome. Also called: Tumor predisposition; Hereditary neoplastic syndrome; Hereditary Cancer Syndrome; Neoplastic Syndromes, Hereditary. Identifiers: Orphanet 140162, MedGen C0027672, MeSH D009386, MONDO:0015356.
Familial adenomatous polyposis 1 (FAP1). Also called: FAMILIAL ADENOMATOUS POLYPOSIS 1, ATTENUATED; POLYPOSIS, ADENOMATOUS INTESTINAL. Identifiers: MedGen C2713442, MONDO:0021056, OMIM 175100. Disease mechanism: loss of function.

Allele frequency attached by ClinVar (database versions not stated): gnomAD exomes below 0.00001 and 0.00001; ExAC 0.00001.
gnomAD v4.1: 3 of 1,613,950 alleles (0.00019%); highest among the groups gnomAD compares: Middle Eastern, 0.033%; no homozygotes.

Submissions (9):

Labcorp Genetics (formerly Invitae), Labcorp
Classification: Likely benign for Familial adenomatous polyposis 1. Last evaluated: 2025-11-02. Review status: criteria provided, single submitter. Criteria: Invitae Variant Classification Sherloc (09022015). Collection method: clinical testing. Allele origin: germline.

Myriad Genetics, Inc.
Classification: Benign for Familial adenomatous polyposis 1. Last evaluated: 2024-03-04. Review status: criteria provided, single submitter. Criteria: Myriad Autosomal Dominant, Autosomal Recessive and X-Linked Classification Criteria (2023). Collection method: clinical testing. Allele origin: unknown.
Comment: This variant is considered benign. This variant is a silent/synonymous amino acid change and it is not expected to impact splicing.

All of Us Research Program, National Institutes of Health
Classification: Likely benign for Classic or attenuated familial adenomatous polyposis. Last evaluated: 2023-11-28. Review status: criteria provided, single submitter. Criteria: ACMG Guidelines, 2015. Collection method: clinical testing. Allele origin: germline. Inheritance: Autosomal dominant inheritance. Observed: 2 variant alleles, 2 heterozygotes.
Comment: This study involves interpretation of variants in research participants for the purpose of population health screening. Participant phenotype was not available at the time of variant classification. Additional details can be found in publication PMID: 35346344, PMCID: PMC8962531

Quest Diagnostics Nichols Institute San Juan Capistrano
Classification: Likely benign. Last evaluated: 2023-05-23. Review status: criteria provided, single submitter. Criteria: Quest Diagnostics criteria. Collection method: clinical testing. Allele origin: unknown.

CeGaT Center for Human Genetics Tuebingen
Classification: Likely benign. Last evaluated: 2022-01-01. Review status: criteria provided, single submitter. Criteria: CeGaT Center For Human Genetics Tuebingen Variant Classification Criteria Version 2. Collection method: clinical testing. Allele origin: germline. Affected: yes. Observed: 1 variant allele.

Sema4
Classification: Likely benign for Hereditary cancer-predisposing syndrome. Last evaluated: 2021-03-12. Review status: criteria provided, single submitter. Criteria: Sema4 Curation Guidelines. Collection method: curation. Allele origin: germline.

Color Diagnostics, LLC DBA Color Health
Classification: Likely benign for Hereditary cancer-predisposing syndrome. Last evaluated: 2020-09-15. Review status: criteria provided, single submitter. Criteria: ACMG Guidelines, 2015. Collection method: clinical testing. Allele origin: germline.

GeneDx
Classification: Likely benign. Last evaluated: 2019-10-23. Review status: criteria provided, single submitter. Criteria: GeneDx Variant Classification Process June 2021. Collection method: clinical testing. Allele origin: germline. Affected: yes.

Ambry Genetics
Classification: Likely benign for Hereditary cancer-predisposing syndrome. Last evaluated: 2014-07-10. Review status: criteria provided, single submitter. Criteria: Ambry Variant Classification Scheme 2023. Collection method: clinical testing. Allele origin: germline.